The following is an entry in ClinVar:

NM_000179.3(MSH6):c.218A>G (p.Asn73Ser)

Gene: MSH6 (mutS homolog 6; plus strand). Cytogenetic location: 2p16.3.
Variant type: single nucleotide variant.
Coding change: c.218A>G on transcript NM_000179.3 (MANE Select); coding-DNA position 218, A replaced by G.
Protein change: p.Asn73Ser; replaces asparagine 73 with serine.
Molecular consequence: missense variant. On other transcripts: 5 prime UTR variant (1).
Genome position (GRCh38, 1-based): chr2:47,783,451, A>G. VCF-style: chr2-47783451-A-G. GRCh37 (hg19) VCF-style: chr2-48010590-A-G.
Other names: c.163A>G, p.Thr55Ala (NM_001406804.1); c.-711A>G (NM_001406807.1); c.218A>G, p.Asn73Ser (NM_001406808.1, NM_001406809.1, NM_001406813.1 and 9 more transcripts); c.-519A>G (NM_001406811.1, NM_001281493.2); c.-366A>G (NM_001406812.1); c.-777A>G (NM_001406814.1); c.-322A>G (NM_001406816.1); c.-111A>G (NM_001406799.1); short protein forms N73S, T55A.
Identifiers: ClinVar variation 1946986 (VCV001946986.7), dbSNP rs2103942896, ClinGen allele CA346735079.

ClinVar aggregate classification (germline): Uncertain significance. Review status: criteria provided, multiple submitters, no conflicts (2 of 4 stars). 2 submissions from 2 submitters: Uncertain significance (2). Last evaluated 2023-06-11.

Conditions:
Hereditary cancer-predisposing syndrome. Also called: Tumor predisposition; Hereditary neoplastic syndrome; Neoplastic Syndromes, Hereditary; Hereditary Cancer Syndrome. Identifiers: Orphanet 140162, MedGen C0027672, MeSH D009386, MONDO:0015356.
Hereditary nonpolyposis colorectal neoplasms. Identifiers: MedGen C0009405, MeSH D003123.

Allele frequency attached by ClinVar (database versions not stated): gnomAD exomes below 0.00001.

Submissions (2):

Ambry Genetics
Classification: Uncertain significance for Hereditary cancer-predisposing syndrome. Last evaluated: 2023-06-11. Review status: criteria provided, single submitter. Criteria: Ambry Variant Classification Scheme 2023. Collection method: clinical testing. Allele origin: germline.
Comment: The p.N73S variant (also known as c.218A>G), located in coding exon 1 of the MSH6 gene, results from an A to G substitution at nucleotide position 218. The asparagine at codon 73 is replaced by serine, an amino acid with highly similar properties. This amino acid position is conserved. In addition, this alteration is predicted to be tolerated by in silico analysis. Since supporting evidence is limited at this time, the clinical significance of this alteration remains unclear.

Labcorp Genetics (formerly Invitae), Labcorp
Classification: Uncertain significance for Hereditary nonpolyposis colorectal neoplasms. Last evaluated: 2022-09-08. Review status: criteria provided, single submitter. Criteria: Invitae Variant Classification Sherloc (09022015). Collection method: clinical testing. Allele origin: germline.
Comment: This sequence change replaces asparagine, which is neutral and polar, with serine, which is neutral and polar, at codon 73 of the MSH6 protein (p.Asn73Ser). This variant is not present in population databases (gnomAD no frequency). This variant has not been reported in the literature in individuals affected with MSH6-related conditions. Advanced modeling of protein sequence and biophysical properties (such as structural, functional, and spatial information, amino acid conservation, physicochemical variation, residue mobility, and thermodynamic stability) performed at Invitae indicates that this missense variant is not expected to disrupt MSH6 protein function. In summary, the available evidence is currently insufficient to determine the role of this variant in disease. Therefore, it has been classified as a Variant of Uncertain Significance.